The following is an entry in ClinVar:

ClinVar aggregate classification (germline): Conflicting classifications of pathogenicity. Review status: criteria provided, conflicting classifications (1 of 4 stars). 3 submissions from 3 submitters: Uncertain significance (2); Likely benign (1). Last evaluated 2025-01-20.

Conditions:
Inborn genetic diseases. Identifiers: MedGen C0950123, MeSH D030342.

Allele frequency attached by ClinVar (database versions not stated): gnomAD exomes below 0.00001 and 0.00001; ExAC 0.00001; gnomAD 0.00001; 1000 Genomes Project 30x 0.00016.
gnomAD v4.1: 16 of 1,613,904 alleles (0.00099%); highest among the groups gnomAD compares: South Asian, 0.012%; no homozygotes.

Submissions (3):

Labcorp Genetics (formerly Invitae), Labcorp
Classification: Likely benign. Last evaluated: 2025-01-20. Review status: criteria provided, single submitter. Criteria: Invitae Variant Classification Sherloc (09022015). Collection method: clinical testing. Allele origin: germline.

Ambry Genetics
Classification: Uncertain significance for Inborn genetic diseases. Last evaluated: 2021-07-20. Review status: criteria provided, single submitter. Criteria: Ambry Variant Classification Scheme 2023. Collection method: clinical testing. Allele origin: germline.

GeneDx
Classification: Uncertain significance. Last evaluated: 2020-01-09. Review status: criteria provided, single submitter. Criteria: GeneDx Variant Classification Process June 2021. Collection method: clinical testing. Allele origin: germline. Affected: yes.
Comment: Not observed at a significant frequency in large population cohorts (Lek et al., 2016); In silico analysis, which includes protein predictors and evolutionary conservation, supports that this variant does not alter protein structure/function; Has not been previously published as pathogenic or benign to our knowledge

NM_001170629.2(CHD8):c.6190G>A (p.Glu2064Lys)

Gene: CHD8 (chromodomain helicase DNA binding protein 8; minus strand). Cytogenetic location: 14q11.2.
Variant type: single nucleotide variant.
Coding change: c.6190G>A on transcript NM_001170629.2 (MANE Select); coding-DNA position 6190, G replaced by A.
Protein change: p.Glu2064Lys; replaces glutamic acid 2064 with lysine.
Molecular consequence: missense variant.
Genome position (GRCh38, 1-based): chr14:21,393,605, C>T on the plus strand (G>A on the coding strand, the complement: CHD8 is on the minus strand). VCF-style: chr14-21393605-C-T. GRCh37 (hg19) VCF-style: chr14-21861764-C-T.
Other names: c.5353G>A, p.Glu1785Lys (NM_020920.4); short protein forms E1785K, E2064K.
Identifiers: ClinVar variation 1311741 (VCV001311741.6), dbSNP rs779756082, ClinGen allele CA7090825.